The following is an entry in ClinVar:

NM_001753.5(CAV1):c.235C>A (p.His79Asn)

Gene: CAV1 (caveolin 1; plus strand). Cytogenetic location: 7q31.2.
Variant type: single nucleotide variant.
Coding change: c.235C>A on transcript NM_001753.5 (MANE Select); coding-DNA position 235, C replaced by A.
Protein change: p.His79Asn; replaces histidine 79 with asparagine.
Molecular consequence: missense variant.
Genome position (GRCh38, 1-based): chr7:116,558,985, C>A. VCF-style: chr7-116558985-C-A. GRCh37 (hg19) VCF-style: chr7-116199039-C-A.
Other names: c.142C>A, p.His48Asn (NM_001172895.1, NM_001172896.2, NM_001172897.2); short protein forms H48N, H79N.
Identifiers: ClinVar variation 3485502 (VCV003485502.1).
Genomic context (GRCh38, chr7:116,558,985, plus strand): 5'-TGTGTCACTTCTTCCTTTTAGATTGACTTTGAAGATGTGATTGCAGAACCAGAAGGGACA[C>A]ACAGTTTTGACGGCATTTGGAAGGCCAGCTTCACCACCTTCACTGTGACGAAATACTGGT-3'
Protein context (NP_001744.2, residues 69-89): EDVIAEPEGT[His79Asn]SFDGIWKASF

ClinVar aggregate classification (germline): Uncertain significance (1 of 4 stars; one submission).

Conditions:
Inborn genetic diseases. Identifiers: MedGen C0950123, MeSH D030342.

gnomAD v4.1: 9 of 1,613,796 alleles (0.00056%); highest among the groups gnomAD compares: Non-Finnish European, 0.00076%; no homozygotes.

Submission:

Ambry Genetics
Classification: Uncertain significance for Inborn genetic diseases. Last evaluated: 2024-09-17. Review status: criteria provided, single submitter. Criteria: Ambry Variant Classification Scheme 2023. Collection method: clinical testing. Allele origin: germline.
Comment: The p.H79N variant (also known as c.235C>A), located in coding exon 3 of the CAV1 gene, results from a C to A substitution at nucleotide position 235. The histidine at codon 79 is replaced by asparagine, an amino acid with similar properties. This amino acid position is conserved. In addition, the in silico prediction for this alteration is inconclusive. Based on the available evidence, the clinical significance of this variant remains unclear.